The following is an entry in ClinVar:

NM_000018.4(ACADVL):c.1075del (p.Ala359fs)

Gene: ACADVL (acyl-CoA dehydrogenase very long chain; plus strand). Cytogenetic location: 17p13.1.
Variant type: Deletion.
Coding change: c.1075del on transcript NM_000018.4 (MANE Select); coding-DNA position 1075, one base deleted (G; older notation c.1075delG).
Protein change: p.Ala359fs; shifts the reading frame from alanine 359.
Molecular consequence: frameshift variant.
Genome position (GRCh38, 1-based): chr17:7,222,863, G deleted; the last of 2 consecutive G bases (chr17:7,222,862-7,222,863); deleting either gives the same sequence. VCF-style (leftmost placement, unchanged base first): chr17-7222861-AG-A. GRCh37 (hg19) VCF-style: chr17-7126180-AG-A.
Other names: c.1009del, p.Ala337fs (NM_001033859.3); c.1144del, p.Ala382fs (NM_001270447.2); c.847del, p.Ala283fs (NM_001270448.2); short protein forms A359fs, A283fs, A382fs, A337fs.
Identifiers: ClinVar variation 3722945 (VCV003722945.2).
Genomic context (GRCh38, chr17:7,222,861, plus strand): 5'-ACAATGGAAGGTTTGGCATGGCTGCGGCCCTGGCAGGTACCATGAGAGGCATCATTGCTA[AG>A]GCGGTGAGTACCCTGCCCGAGTCCCTAGGTAACCCAAACAGAAGTCTCACTGTCCCCCTT-3'

ClinVar aggregate classification (germline): Pathogenic (1 of 4 stars; one submission).

Conditions:
Very long chain acyl-CoA dehydrogenase deficiency (ACADVLD). Also called: VLCAD Deficiency; Very Long-Chain Acyl-Coenzyme A Dehydrogenase Deficiency. Identifiers: Orphanet 26793, MedGen C3887523, MONDO:0008723, OMIM 201475.

Submission:

Labcorp Genetics (formerly Invitae), Labcorp
Classification: Pathogenic for Very long chain acyl-CoA dehydrogenase deficiency. Last evaluated: 2024-10-15. Review status: criteria provided, single submitter. Criteria: Invitae Variant Classification Sherloc (09022015). Collection method: clinical testing. Allele origin: germline.
Comment: This sequence change creates a premature translational stop signal (p.Ala359Argfs*2) in the ACADVL gene. It is expected to result in an absent or disrupted protein product. Loss-of-function variants in ACADVL are known to be pathogenic (PMID: 9973285, 11590124). This variant is not present in population databases (gnomAD no frequency). This variant has not been reported in the literature in individuals affected with ACADVL-related conditions. For these reasons, this variant has been classified as Pathogenic.

Literature cited by the submitters: PubMed 9973285; PubMed 11590124.